The following is an entry in ClinVar:

NM_001130009.3(GEN1):c.1072-12T>C

Gene: GEN1 (GEN1 structure-specific endonuclease; plus strand). Cytogenetic location: 2p24.2.
Variant type: single nucleotide variant.
Coding change: c.1072-12T>C on transcript NM_001130009.3 (MANE Select); 12 bases into the intron before coding-DNA position 1072, T replaced by C.
Molecular consequence: intron variant.
Genome position (GRCh38, 1-based): chr2:17,774,259, T>C. VCF-style: chr2-17774259-T-C. GRCh37 (hg19) VCF-style: chr2-17955526-T-C.
Other names: c.1072-12T>C (NM_182625.5).
Identifiers: ClinVar variation 3717614 (VCV003717614.2).
Genomic context (GRCh38, chr2:17,774,259, plus strand): 5'-TAATATCACCTAGGAGTGCTATTTGTCTCCAAGAGATAACAAAATCTTGTTTTATTTTTA[T>C]TATATTTATAGAGATTTACTCTTGAAAAAATGGAGTGGCCCAATCACTATGCATGTGAGA-3'

ClinVar aggregate classification (germline): Uncertain significance (1 of 4 stars; one submission).

Submission:

Labcorp Genetics (formerly Invitae), Labcorp
Classification: Uncertain significance. Last evaluated: 2024-11-27. Review status: criteria provided, single submitter. Criteria: Invitae Variant Classification Sherloc (09022015). Collection method: clinical testing. Allele origin: germline.
Comment: This sequence change falls in intron 10 of the GEN1 gene. It does not directly change the encoded amino acid sequence of the GEN1 protein. This variant is not present in population databases (gnomAD no frequency). This variant has not been reported in the literature in individuals affected with GEN1-related conditions. Algorithms developed to predict the effect of sequence changes on RNA splicing suggest that this variant may disrupt the consensus splice site. In summary, the available evidence is currently insufficient to determine the role of this variant in disease. Therefore, it has been classified as a Variant of Uncertain Significance.